The following is an entry in ClinVar:

ClinVar aggregate classification (germline): Uncertain significance (1 of 4 stars; one submission).

Conditions:
Cowden syndrome (CS). Also called: Cowden's disease; Cowden's syndrome; Cowden disease. Identifiers: Orphanet 201, MedGen C0018553, MONDO:0016063. Disease mechanism: gain of function.

Submission:

Labcorp Genetics (formerly Invitae), Labcorp
Classification: Uncertain significance for Cowden syndrome. Last evaluated: 2023-05-20. Review status: criteria provided, single submitter. Criteria: Invitae Variant Classification Sherloc (09022015). Collection method: clinical testing. Allele origin: germline.
Comment: This sequence change falls in intron 6 of the PIK3CA gene. It does not directly change the encoded amino acid sequence of the PIK3CA protein. It affects a nucleotide within the consensus splice site. This variant is not present in population databases (gnomAD no frequency). This variant has not been reported in the literature in individuals affected with PIK3CA-related conditions. Variants that disrupt the consensus splice site are a relatively common cause of aberrant splicing (PMID: 17576681, 9536098). Algorithms developed to predict the effect of sequence changes on RNA splicing suggest that this variant is not likely to affect RNA splicing. In summary, the available evidence is currently insufficient to determine the role of this variant in disease. Therefore, it has been classified as a Variant of Uncertain Significance.

Literature cited by the submitters: PubMed 17576681; PubMed 9536098.

NM_006218.4(PIK3CA):c.1146-3T>C

Gene: PIK3CA (phosphatidylinositol-4,5-bisphosphate 3-kinase catalytic subunit alpha; plus strand). Cytogenetic location: 3q26.32.
Variant type: single nucleotide variant.
Coding change: c.1146-3T>C on transcript NM_006218.4 (MANE Select); 3 bases into the intron before coding-DNA position 1146, T replaced by C.
Molecular consequence: intron variant.
Genome position (GRCh38, 1-based): chr3:179,209,592, T>C. VCF-style: chr3-179209592-T-C. GRCh37 (hg19) VCF-style: chr3-178927380-T-C.
Identifiers: ClinVar variation 3002110 (VCV003002110.3), dbSNP rs2473509062, ClinGen allele CA2668620993.